The following is an entry in ClinVar:

ClinVar aggregate classification (germline): Likely benign. Review status: criteria provided, multiple submitters, no conflicts (2 of 4 stars). 2 submissions from 2 submitters: Likely benign (2). Last evaluated 2023-05-31.

Conditions:
Arrhythmogenic right ventricular dysplasia 5. Also called: Arrhythmogenic Right Ventricular Dysplasia/Cardiomyopathy 5; ARRHYTHMOGENIC RIGHT VENTRICULAR DYSPLASIA, FAMILIAL, 5. Identifiers: MedGen C1858379, MONDO:0011459, OMIM 604400.
Cardiomyopathy (CMYO). Also called: Cardiomyopathies. Identifiers: Orphanet 167848, MedGen C0878544, MONDO:0004994, HP:0001638. Inheritance: Various modes of inheritance.

Allele frequency attached by ClinVar (database versions not stated): gnomAD exomes below 0.00001.

Submissions (2):

All of Us Research Program, National Institutes of Health
Classification: Likely benign for Arrhythmogenic right ventricular dysplasia 5. Last evaluated: 2023-05-31. Review status: criteria provided, single submitter. Criteria: ACMG Guidelines, 2015. Collection method: clinical testing. Allele origin: germline. Inheritance: Autosomal dominant inheritance. Observed: 1 variant allele, 1 heterozygote.
Comment: This study involves interpretation of variants in research participants for the purpose of population health screening. Participant phenotype was not available at the time of variant classification. Additional details can be found in publication PMID: 35346344, PMCID: PMC8962531

Color Diagnostics, LLC DBA Color Health
Classification: Likely benign for Cardiomyopathy. Last evaluated: 2022-08-01. Review status: criteria provided, single submitter. Criteria: ACMG Guidelines, 2015. Collection method: clinical testing. Allele origin: germline.

NM_024334.3(TMEM43):c.1077G>C (p.Leu359=)

Gene: TMEM43 (transmembrane protein 43; plus strand). Cytogenetic location: 3p25.1.
Variant type: single nucleotide variant.
Coding change: c.1077G>C on transcript NM_024334.3 (MANE Select); coding-DNA position 1077, G replaced by C.
Protein change: p.Leu359=; no amino-acid change (leucine 359 retained).
Molecular consequence: synonymous variant.
Genome position (GRCh38, 1-based): chr3:14,141,669, G>C. VCF-style: chr3-14141669-G-C. GRCh37 (hg19) VCF-style: chr3-14183169-G-C.
Other names: c.1080G>C, p.Leu360= (NM_001407274.1); c.1074G>C, p.Leu358= (NM_001407275.1, NM_001407276.1); c.1071G>C, p.Leu357= (NM_001407277.1); c.1062G>C, p.Leu354= (NM_001407278.1); c.1002G>C, p.Leu334= (NM_001407279.1); c.927G>C, p.Leu309= (NM_001407280.1).
Identifiers: ClinVar variation 2774612 (VCV002774612.3), dbSNP rs2470201233, ClinGen allele CA432552978.
Genomic context (GRCh38, chr3:14,141,669, plus strand): 5'-TTTCCGAGACCTGGTCAACATTGGCCTGAAAGCCTTTGCCTTCTGTGTGGCCACCTCGCT[G>C]ACCCTGCTGACCGTGGCGGCTGGCTGGCTCTTCTACCGACCCCTGTGGGCCCTCCTCATT-3'
Protein context (NP_077310.1, residues 349-369): KAFAFCVATS[Leu359=]TLLTVAAGWL